The following is an entry in ClinVar:

NM_021098.3(CACNA1H):c.1793C>T (p.Ala598Val)

Gene: CACNA1H (calcium voltage-gated channel subunit alpha1 H; plus strand). Cytogenetic location: 16p13.3.
Variant type: single nucleotide variant.
Coding change: c.1793C>T on transcript NM_021098.3 (MANE Select); coding-DNA position 1793, C replaced by T.
Protein change: p.Ala598Val; replaces alanine 598 with valine.
Molecular consequence: missense variant.
Genome position (GRCh38, 1-based): chr16:1,202,243, C>T. VCF-style: chr16-1202243-C-T. GRCh37 (hg19) VCF-style: chr16-1252243-C-T.
Other names: c.1793C>T, p.Ala598Val (NM_001005407.2); short protein forms A598V.
Identifiers: ClinVar variation 372862 (VCV000372862.1), dbSNP rs1057518033, ClinGen allele CA16042971.

ClinVar aggregate classification (germline): Likely pathogenic (1 of 4 stars; one submission).

gnomAD v4.1: 1 of 1,562,950 alleles (0.000064%); highest among the groups gnomAD compares: Non-Finnish European, 0.000087%; no homozygotes.

Submission:

GeneDx
Classification: Likely pathogenic. Last evaluated: 2016-01-04. Review status: criteria provided, single submitter. Criteria: GeneDx Variant Classification (06012015). Collection method: clinical testing. Allele origin: germline. Affected: yes.
Comment: The A598V variant in the CACNA1H gene has not been reported previously as a pathogenic variant, nor as a benign variant, to our knowledge. This variant was not observed in approximately 5600 individuals of European and African American ancestry in the NHLBI Exome Sequencing Project, indicating it is not a common benign variant in these populations. The A598V variant is a conservative amino acid substitution, which is not likely to impact secondary protein structure as these residues share similar properties. This substitution occurs at a position that is not conserved. In silico analysis is inconsistent in its predictions as to whether or not the variant is damaging to the protein structure/function. The A598V variant is a strong candidate for a pathogenic variant; however the possibility it may be a rare benign variant cannot be excluded.